The following is an entry in ClinVar:

ClinVar aggregate classification (germline): Uncertain significance (1 of 4 stars; one submission).

Allele frequency attached by ClinVar (database versions not stated): gnomAD exomes below 0.00001.

Submission:

Labcorp Genetics (formerly Invitae), Labcorp
Classification: Uncertain significance. Last evaluated: 2023-12-11. Review status: criteria provided, single submitter. Criteria: Invitae Variant Classification Sherloc (09022015). Collection method: clinical testing. Allele origin: germline.
Comment: This sequence change replaces proline, which is neutral and non-polar, with histidine, which is basic and polar, at codon 77 of the LIG1 protein (p.Pro77His). This variant is present in population databases (no rsID available, gnomAD 0.0009%). This variant has not been reported in the literature in individuals affected with LIG1-related conditions. ClinVar contains an entry for this variant (Variation ID: 1357972). An algorithm developed to predict the effect of missense changes on protein structure and function (PolyPhen-2) suggests that this variant is likely to be tolerated. In summary, the available evidence is currently insufficient to determine the role of this variant in disease. Therefore, it has been classified as a Variant of Uncertain Significance.

NM_000234.3(LIG1):c.230C>A (p.Pro77His)

Gene: LIG1 (DNA ligase 1; minus strand). Cytogenetic location: 19q13.33.
Variant type: single nucleotide variant.
Coding change: c.230C>A on transcript NM_000234.3 (MANE Select); coding-DNA position 230, C replaced by A.
Protein change: p.Pro77His; replaces proline 77 with histidine.
Molecular consequence: missense variant. On other transcripts: non-coding transcript variant (6).
Genome position (GRCh38, 1-based): chr19:48,161,385, G>T on the plus strand (C>A on the coding strand, the complement: LIG1 is on the minus strand). VCF-style: chr19-48161385-G-T. GRCh37 (hg19) VCF-style: chr19-48664642-G-T.
Other names: c.140C>A, p.Pro47His (NM_001289063.2, NM_001320971.2); c.230C>A, p.Pro77His (NM_001289064.2, NM_001320970.2); short protein forms P47H, P77H.
Identifiers: ClinVar variation 1357972 (VCV001357972.8), dbSNP rs1162954173, ClinGen allele CA406642801.